The following is an entry in ClinVar:

ClinVar aggregate classification (germline): Uncertain significance. Review status: criteria provided, multiple submitters, no conflicts (2 of 4 stars). 2 submissions from 2 submitters: Uncertain significance (2). Last evaluated 2025-06-16.

Conditions:
BPTF-related disorder. Also called: BPTF-related condition.

Submissions (2):

PreventionGenetics, part of Exact Sciences
Classification: Uncertain significance for BPTF-related condition. Last evaluated: 2025-06-16. Review status: criteria provided, single submitter. Criteria: ACMG Guidelines, 2015. Collection method: clinical testing. Allele origin: germline.
Comment: The BPTF c.78_86dup9 variant is predicted to result in an in-frame duplication (p.Pro29_Pro31dup). To our knowledge, this variant has not been reported in the literature. This variant is reported in 0.060% of alleles in individuals of European (Non-Finnish) descent in gnomAD. Although we suspect that this variant may be benign, at this time, the clinical significance of this variant is uncertain due to the absence of conclusive functional and genetic evidence.

Labcorp Genetics (formerly Invitae), Labcorp
Classification: Uncertain significance. Last evaluated: 2024-11-11. Review status: criteria provided, single submitter. Criteria: Invitae Variant Classification Sherloc (09022015). Collection method: clinical testing. Allele origin: germline.
Comment: This variant, c.78_86dup, results in the insertion of 3 amino acid(s) of the BPTF protein (p.Pro29_Pro31dup), but otherwise preserves the integrity of the reading frame. This variant is present in population databases (no rsID available, gnomAD 0.06%), and has an allele count higher than expected for a pathogenic variant. This variant has not been reported in the literature in individuals affected with BPTF-related conditions. ClinVar contains an entry for this variant (Variation ID: 1971972). Experimental studies and prediction algorithms are not available or were not evaluated, and the functional significance of this variant is currently unknown. In summary, the available evidence is currently insufficient to determine the role of this variant in disease. Therefore, it has been classified as a Variant of Uncertain Significance.

NM_182641.4(BPTF):c.78_86dup (p.Pro31_Thr32insProProPro)

Gene: BPTF (bromodomain PHD finger transcription factor; plus strand). Cytogenetic location: 17q24.2.
Variant type: Duplication.
Coding change: c.78_86dup on transcript NM_182641.4 (MANE Select); coding-DNA positions 78 to 86, 9 bases duplicated (ACCGCCGCC; older notation c.78_86dupACCGCCGCC).
Protein change: p.Pro31_Thr32insProProPro.
Molecular consequence: inframe insertion.
Genome position (GRCh38, 1-based): chr17:67,825,802-67,825,810, ACCGCCGCC duplicated; duplicating any 9 consecutive bases within chr17:67,825,794-67,825,810 gives the same sequence; the c. name uses the placement nearest the transcript's 3' end. VCF-style (leftmost placement, unchanged base first): chr17-67825793-C-CCCGCCGCCA. GRCh37 (hg19) VCF-style: chr17-65821909-C-CCCGCCGCCA.
Other names: c.78_86dup, p.Pro31_Thr32insProProPro (NM_004459.7); c.78_86dup9 (NM_182641.3).
Identifiers: ClinVar variation 1971972 (VCV001971972.6), dbSNP rs1176637542, ClinGen allele CA627315510.
Genomic context (GRCh38, chr17:67,825,793, plus strand): 5'-CCGGCGGGGCAGGCCGCCCAAGCAGCCCGCGGCTCCCGCTGCGGAGCGCTGCGCCCCGGC[C>CCCGCCGCCA]CCGCCGCCACCGCCGCCGCCGCCCACGTCCGGACCCATCGGGGGGCTCCGCTCGCGGCAC-3'